The following is an entry in ClinVar:

ClinVar aggregate classification (germline): Pathogenic (1 of 4 stars; one submission).

Conditions:
Abetalipoproteinaemia (ABL). Also called: MTP DEFICIENCY; Abetalipoproteinemia; Abetalipoproteinemia neuropathy; Apolipoprotein B deficiency; Congenital betalipoprotein deficiency syndrome. Identifiers: Orphanet 14, MedGen C0000744, MONDO:0008692, OMIM 200100, HP:0008181.

Submission:

Myriad Genetics, Inc.
Classification: Pathogenic for Abetalipoproteinaemia. Last evaluated: 2024-06-17. Review status: criteria provided, single submitter. Criteria: Myriad Autosomal Dominant, Autosomal Recessive and X-Linked Classification Criteria (2023). Collection method: clinical testing. Allele origin: unknown.
Comment: NM_000253.2(MTTP):c.344delA(N115Tfs*13) is expected to be pathogenic in the context of abetalipoproteinemia. This variant is predicted to lead to an abnormal or absent protein product due to the creation of a premature termination codon in MTTP, a gene where loss-of-function variants are known to be pathogenic. Please note: this variant was assessed in the context of healthy population screening.

NM_001386140.1(MTTP):c.344del (p.Asn115fs)

Gene: MTTP (microsomal triglyceride transfer protein; plus strand). Cytogenetic location: 4q23.
Variant type: Deletion.
Coding change: c.344del on transcript NM_001386140.1 (MANE Select); coding-DNA position 344, one base deleted (A; older notation c.344delA).
Protein change: p.Asn115fs; shifts the reading frame from asparagine 115.
Molecular consequence: frameshift variant.
Genome position (GRCh38, 1-based): chr4:99,583,468, A deleted; the last of 4 consecutive A bases (chr4:99,583,465-99,583,468); deleting any one gives the same sequence. VCF-style (leftmost placement, unchanged base first): chr4-99583464-GA-G. GRCh37 (hg19) VCF-style: chr4-100504621-GA-G.
Other names: c.344del, p.Asn115fs (NM_000253.4); c.95del, p.Asn32fs (NM_001300785.2); short protein forms N115fs, N32fs.
Identifiers: ClinVar variation 5013192 (VCV005013192.1).